The following is an entry in ClinVar:

ClinVar aggregate classification (germline): Conflicting classifications of pathogenicity. Review status: criteria provided, conflicting classifications (1 of 4 stars). 9 submissions from 9 submitters: Uncertain significance (6); Benign (1). 2 of the submissions do not count toward it. Last evaluated 2025-06-30.

Conditions:
BRCA1-related disorder. Also called: BRCA1-related condition.
Hereditary cancer-predisposing syndrome. Also called: Hereditary Cancer Syndrome; Hereditary neoplastic syndrome; Neoplastic Syndromes, Hereditary; Tumor predisposition. Identifiers: Orphanet 140162, MedGen C0027672, MeSH D009386, MONDO:0015356.
Hereditary breast ovarian cancer syndrome. Also called: BRCA1- and BRCA2-Associated Hereditary Breast and Ovarian Cancer; Hereditary breast and ovarian cancer syndrome; Hereditary breast and ovarian cancer syndrome (HBOC); Breast and ovarian cancer; Hereditary breast and/or ovarian cancer syndrome; Hereditary breast and ovarian cancer. Identifiers: Orphanet 145, MedGen C0677776, MeSH D061325, MONDO:0003582. Disease mechanism: loss of function.
Breast-ovarian cancer, familial, susceptibility to, 1 (BROVCA1). Also called: BRCA1 Hereditary Breast and Ovarian Cancer; OVARIAN CANCER, SUSCEPTIBILITY TO. Identifiers: Orphanet 145, MedGen C2676676, MONDO:0011450, OMIM 604370. Disease mechanism: loss of function.

Allele frequency attached by ClinVar (database versions not stated): gnomAD 0.00001.
gnomAD v4.1: 1 of 1,614,032 alleles (0.000062%); highest among the groups gnomAD compares: Non-Finnish European, 0.000085%; no homozygotes.

Submissions (9):

Color Diagnostics, LLC DBA Color Health
Classification: Uncertain significance for Hereditary cancer-predisposing syndrome. Last evaluated: 2025-06-30. Review status: criteria provided, single submitter. Criteria: ACMG Guidelines, 2015. Collection method: clinical testing. Allele origin: germline.
Comment: This missense variant replaces serine with cysteine at codon 1512 of the BRCA1 protein. Computational prediction is inconclusive regarding the impact of this variant on protein structure and function. A functional study has shown the mutant protein to exhibit normal activity in a transcription activation assay (PMID: 28781887). This variant has not been reported in individuals affected with BRCA1-related disorders in the literature. This variant has not been identified in the general population by the Genome Aggregation Database (gnomAD). The available evidence is insufficient to determine the role of this variant in disease conclusively. Therefore, this variant is classified as a Variant of Uncertain Significance.

German Consortium for Hereditary Breast and Ovarian Cancer, University Hospital Cologne
Classification: Benign for Hereditary breast ovarian cancer syndrome. Last evaluated: 2024-11-11. Review status: criteria provided, single submitter. Criteria: ClinGen BRCA1 V1.1.0. Collection method: curation. Allele origin: germline.
Comment: According to the ClinGen ENIGMA BRCA1 v1.1.0 criteria we chose these criteria: BP1 (strong benign): missense variants outside a (potentially) clinically important functional domain AND nosplicing predicted (SpliceAI ≤0.1), BS3 (strong benign): Reported by one calibrated study to exhibit protein function similar to benign control variants (PMID:30765603) (BS3 met)

Labcorp Genetics (formerly Invitae), Labcorp
Classification: Uncertain significance for Hereditary breast ovarian cancer syndrome. Last evaluated: 2024-10-15. Review status: criteria provided, single submitter. Criteria: Invitae Variant Classification Sherloc (09022015). Collection method: clinical testing. Allele origin: germline.
Comment: This sequence change replaces serine, which is neutral and polar, with cysteine, which is neutral and slightly polar, at codon 1512 of the BRCA1 protein (p.Ser1512Cys). This variant is not present in population databases (gnomAD no frequency). This variant has not been reported in the literature in individuals affected with BRCA1-related conditions. ClinVar contains an entry for this variant (Variation ID: 55224). Invitae Evidence Modeling of protein sequence and biophysical properties (such as structural, functional, and spatial information, amino acid conservation, physicochemical variation, residue mobility, and thermodynamic stability) indicates that this missense variant is not expected to disrupt BRCA1 protein function with a negative predictive value of 95%. In summary, the available evidence is currently insufficient to determine the role of this variant in disease. Therefore, it has been classified as a Variant of Uncertain Significance.

Ambry Genetics
Classification: Uncertain significance for Hereditary cancer-predisposing syndrome. Last evaluated: 2024-08-06. Review status: criteria provided, single submitter. Criteria: Ambry Variant Classification Scheme 2023. Collection method: clinical testing. Allele origin: germline.
Comment: The p.S1512C variant (also known as c.4534A>T), located in coding exon 13 of the BRCA1 gene, results from an A to T substitution at nucleotide position 4534. The serine at codon 1512 is replaced by cysteine, an amino acid with dissimilar properties. this variant acted like-wild type in a transcription activation assay (Woods NT et al. NPJ Genom Med, 2016 Mar;1:). This amino acid position is not well conserved in available vertebrate species. In addition, the in silico prediction for this alteration is inconclusive. Based on the available evidence, the clinical significance of this variant remains unclear.

Baylor Genetics
Classification: Uncertain significance for Breast-ovarian cancer, familial, susceptibility to, 1. Last evaluated: 2023-10-23. Review status: criteria provided, single submitter. Criteria: ACMG Guidelines, 2015. Collection method: clinical testing. Allele origin: unknown.

All of Us Research Program, National Institutes of Health
Classification: Uncertain significance for Breast-ovarian cancer, familial, susceptibility to, 1. Last evaluated: 2023-09-17. Review status: criteria provided, single submitter. Criteria: ACMG Guidelines, 2015. Collection method: clinical testing. Allele origin: germline. Inheritance: Autosomal dominant inheritance. Observed: 1 variant allele, 1 heterozygote.
Comment: This missense variant replaces serine with cysteine at codon 1512 of the BRCA1 protein. Computational prediction is inconclusive regarding the impact of this variant on protein structure and function (internally defined REVEL score threshold 0.5 < inconclusive < 0.7, PMID: 27666373). To our knowledge, functional studies have not been reported for this variant. This variant has not been reported in individuals affected with hereditary cancer in the literature. This variant has not been identified in the general population by the Genome Aggregation Database (gnomAD). The available evidence is insufficient to determine the role of this variant in disease conclusively. Therefore, this variant is classified as a Variant of Uncertain Significance.

This study involves interpretation of variants in research participants for the purpose of population health screening. Participant phenotype was not available at the time of variant classification. Additional details can be found in publication PMID: 35346344, PMCID: PMC8962531

PreventionGenetics, part of Exact Sciences
Classification: Uncertain significance for BRCA1-related condition. Last evaluated: 2022-12-23. Review status: criteria provided, single submitter. Criteria: ACMG Guidelines, 2015. Collection method: clinical testing. Allele origin: germline.
Comment: The BRCA1 c.4534A>T variant is predicted to result in the amino acid substitution p.Ser1512Cys. To our knowledge, this variant has not been reported in the literature or in a large population database, indicating this variant is rare. Yeast-based experimental studies suggest this variant may not impact protein function (Woods NT et al. 2016. PubMed ID: 28781887). In ClinVar this variant is listed as uncertain. At this time, the clinical significance of this variant is uncertain due to the absence of conclusive functional and genetic evidence.

Zotz-Klimas Genetics Lab, MVZ Zotz Klimas
Classification: Uncertain significance for Breast-ovarian cancer, familial, susceptibility to, 1. Last evaluated: 2023-10-30. Review status: no assertion criteria provided. Collection method: clinical testing. Allele origin: germline. Affected: yes. Not counted in ClinVar's aggregate classification.

Breast Cancer Information Core (BIC) (BRCA1)
Classification: Uncertain significance for Breast-ovarian cancer, familial 1. Last evaluated: 2003-12-23. Review status: no assertion criteria provided. Collection method: clinical testing. Allele origin: germline. Affected: yes. Observed: 1 variant allele. Not counted in ClinVar's aggregate classification.

Literature cited by the submitters: PubMed 28781887 (cited by Color Diagnostics, LLC DBA Color Health and Ambry Genetics).

NM_007294.4(BRCA1):c.4534A>T (p.Ser1512Cys)

Gene: BRCA1 (BRCA1 DNA repair associated; minus strand). Cytogenetic location: 17q21.31.
Variant type: single nucleotide variant.
Coding change: c.4534A>T on transcript NM_007294.4 (MANE Select); coding-DNA position 4534, A replaced by T.
Protein change: p.Ser1512Cys; replaces serine 1512 with cysteine.
Molecular consequence: missense variant. On other transcripts: non-coding transcript variant (1).
Genome position (GRCh38, 1-based): chr17:43,074,472, T>A on the plus strand (A>T on the coding strand, the complement: BRCA1 is on the minus strand). VCF-style: chr17-43074472-T-A. GRCh37 (hg19) VCF-style: chr17-41226489-T-A.
Other names: c.4402A>T, p.Ser1468Cys (NM_001407690.1, NM_001407691.1); c.4393A>T, p.Ser1465Cys (NM_001407692.1, NM_001407694.1, NM_001407695.1 and 13 more transcripts); c.4531A>T, p.Ser1511Cys (NM_001407611.1, NM_001407612.1, NM_001407613.1 and 17 more transcripts); c.4528A>T, p.Ser1510Cys (NM_001407630.1, NM_001407631.1, NM_001407632.1 and 14 more transcripts); c.4534A>T, p.Ser1512Cys (NM_001407652.1, NM_001407593.1, NM_001407594.1 and 8 more transcripts); c.4456A>T, p.Ser1486Cys (NM_001407653.1, NM_001407654.1, NM_001407655.1); c.4453A>T, p.Ser1485Cys (NM_001407656.1, NM_001407657.1, NM_001407658.1); c.4450A>T, p.Ser1484Cys (NM_001407659.1, NM_001407660.1, NM_001407661.1 and 2 more transcripts); and 68 more; short protein forms S1512C, S408C, S1465C, S1533C, S1215C, S1383C, S1384C, S1385C.
Identifiers: ClinVar variation 55224 (VCV000055224.25), dbSNP rs80357137, ClinGen allele CA002897.
Genomic context (GRCh38, chr17:43,074,472, plus strand): 5'-CAACCTTAATGAGCTCCTCTTGAGATGGGTAGTTTCTATTCTGAAGACTCCCAGAGCAAC[T>A]GTGCATGTACCACCTATCATCTAATGATGGGCATTTAGAAGGGGATGACCTAGAAAGATA-3'
Protein context (NP_009225.1, residues 1502-1522): PSLDDRWYMH[Ser1512Cys]CSGSLQNRNY